The following is an entry in ClinVar:

NM_005592.4(MUSK):c.1813A>G (p.Met605Val)

Gene: MUSK (muscle associated receptor tyrosine kinase; plus strand). Cytogenetic location: 9q31.3.
Variant type: single nucleotide variant.
Coding change: c.1813A>G on transcript NM_005592.4 (MANE Select); coding-DNA position 1813, A replaced by G.
Protein change: p.Met605Val; replaces methionine 605 with valine.
Molecular consequence: missense variant.
Genome position (GRCh38, 1-based): chr9:110,787,724, A>G. VCF-style: chr9-110787724-A-G. GRCh37 (hg19) VCF-style: chr9-113550004-A-G.
Other names: c.1555A>G, p.Met519Val (NM_001166280.2); c.1525A>G, p.Met509Val (NM_001166281.2); c.553A>G, p.Met185Val (NM_001369398.1); c.1813A>G (NM_005592.3); short protein forms M509V, M185V, M519V, M605V.
Identifiers: ClinVar variation 1518302 (VCV001518302.6), dbSNP rs758777089, ClinGen allele CA5184483.
Genomic context (GRCh38, chr9:110,787,724, plus strand): 5'-TCTTTTTCAATAAATGTATCTCTCAGGGCACCAGGCTTACTTCCCTATGAACCTTTCACT[A>G]TGGTGGCAGTAAAGATGCTCAAAGAAGAAGCCTCGGCAGATATGCAAGCGGACTTTCAGA-3'
Protein context (NP_005583.1, residues 595-615): PGLLPYEPFT[Met605Val]VAVKMLKEEA

ClinVar aggregate classification (germline): Uncertain significance. Review status: criteria provided, multiple submitters, no conflicts (2 of 4 stars). 2 submissions from 2 submitters: Uncertain significance (2). Last evaluated 2024-04-06.

Conditions:
Fetal akinesia deformation sequence 1 (FADS1). Also called: Pena-Shokeir syndrome type I; Fetal akinesia sequence. Identifiers: Orphanet 994, MedGen C1276035, MONDO:0100101, OMIM 208150, HP:0001989.
Congenital myasthenic syndrome 9. Also called: Myasthenic syndrome, congenital, 9, associated with acetylcholine receptor deficiency. Identifiers: Orphanet 590, MedGen C4225368, MONDO:0014587, OMIM 616325.
Inborn genetic diseases. Identifiers: MedGen C0950123, MeSH D030342.

Allele frequency attached by ClinVar (database versions not stated): gnomAD exomes below 0.00001; ExAC 0.00001; gnomAD 0.00001.
gnomAD v4.1: 11 of 1,613,858 alleles (0.00068%); highest among the groups gnomAD compares: African/African-American, 0.0013%; no homozygotes.

Submissions (2):

Ambry Genetics
Classification: Uncertain significance for Inborn genetic diseases. Last evaluated: 2024-04-06. Review status: criteria provided, single submitter. Criteria: Ambry Variant Classification Scheme 2023. Collection method: clinical testing. Allele origin: germline.

Labcorp Genetics (formerly Invitae), Labcorp
Classification: Uncertain significance for Congenital myasthenic syndrome 9; Fetal akinesia deformation sequence 1. Last evaluated: 2022-07-25. Review status: criteria provided, single submitter. Criteria: Invitae Variant Classification Sherloc (09022015). Collection method: clinical testing. Allele origin: germline.
Comment: This sequence change replaces methionine, which is neutral and non-polar, with valine, which is neutral and non-polar, at codon 605 of the MUSK protein (p.Met605Val). This variant is present in population databases (rs758777089, gnomAD 0.0008%). This variant has not been reported in the literature in individuals affected with MUSK-related conditions. ClinVar contains an entry for this variant (Variation ID: 1518302). Advanced modeling of protein sequence and biophysical properties (such as structural, functional, and spatial information, amino acid conservation, physicochemical variation, residue mobility, and thermodynamic stability) performed at Invitae indicates that this missense variant is not expected to disrupt MUSK protein function. In summary, the available evidence is currently insufficient to determine the role of this variant in disease. Therefore, it has been classified as a Variant of Uncertain Significance.